The following is an entry in ClinVar:

NM_001845.6(COL4A1):c.1502G>A (p.Gly501Asp)

Gene: COL4A1 (collagen type IV alpha 1 chain; minus strand). Cytogenetic location: 13q34.
Variant type: single nucleotide variant.
Coding change: c.1502G>A on transcript NM_001845.6 (MANE Select); coding-DNA position 1502, G replaced by A.
Protein change: p.Gly501Asp; replaces glycine 501 with aspartic acid.
Molecular consequence: missense variant.
Genome position (GRCh38, 1-based): chr13:110,192,248, C>T on the plus strand (G>A on the coding strand, the complement: COL4A1 is on the minus strand). VCF-style: chr13-110192248-C-T. GRCh37 (hg19) VCF-style: chr13-110844595-C-T.
Other names: p.Gly501Asp; c.1502G>A, p.Gly501Asp (NM_001303110.2); short protein forms G501D.
Identifiers: ClinVar variation 1339264 (VCV001339264.6), dbSNP rs2139179173, ClinGen allele CA388723379.

ClinVar aggregate classification (germline): Pathogenic/Likely pathogenic. Review status: criteria provided, multiple submitters, no conflicts (2 of 4 stars). 2 submissions from 2 submitters: Pathogenic (1); Likely pathogenic (1). Last evaluated 2022-01-07.

Conditions:
Autosomal dominant familial hematuria-retinal arteriolar tortuosity-contractures syndrome. Also called: Angiopathy, hereditary, with nephropathy, aneurysms, and muscle cramps; Hereditary Angiopathy with Nephropathy, Aneurysms, and Muscle Cramps (HANAC) Syndrome. Identifiers: Orphanet 73229, MedGen C2673195, MONDO:0012726, OMIM 611773.

Submissions (2):

Labcorp Genetics (formerly Invitae), Labcorp
Classification: Pathogenic. Last evaluated: 2022-01-07. Review status: criteria provided, single submitter. Criteria: Invitae Variant Classification Sherloc (09022015). Collection method: clinical testing. Allele origin: germline.
Comment: This sequence change replaces glycine, which is neutral and non-polar, with aspartic acid, which is acidic and polar, at codon 501 of the COL4A1 protein (p.Gly501Asp). For these reasons, this variant has been classified as Pathogenic. This variant disrupts the triple helix domain of COL4A1. Glycine residues within the Gly-Xaa-Yaa repeats of the triple helix domain are required for the structure and stability of fibrillar collagens (PMID: 7695699, 8218237, 19344236). In COL4A1 variants affecting these glycine residues are significantly enriched in individuals with disease (PMID: 9016532, 17078022) compared to the general population (ExAC). Advanced modeling of protein sequence and biophysical properties (such as structural, functional, and spatial information, amino acid conservation, physicochemical variation, residue mobility, and thermodynamic stability) performed at Invitae indicates that this missense variant is expected to disrupt COL4A1 protein function. This missense change has been observed in individual(s) with COL4A1-related conditions (Invitae). It has also been observed to segregate with disease in related individuals. This variant is not present in population databases (gnomAD no frequency).

Molecular Diagnostics Laboratory, M Health Fairview: University of Minnesota
Classification: Likely pathogenic for Autosomal dominant familial hematuria-retinal arteriolar tortuosity-contractures syndrome. Last evaluated: 2021-11-11. Review status: criteria provided, single submitter. Criteria: ACMG Guidelines, 2015. Collection method: clinical testing. Allele origin: germline. Affected: yes.

Literature cited by the submitters: PubMed 7695699 (cited by Labcorp Genetics (formerly Invitae), Labcorp); PubMed 8218237 (cited by Labcorp Genetics (formerly Invitae), Labcorp); PubMed 19344236 (cited by Labcorp Genetics (formerly Invitae), Labcorp); PubMed 9016532 (cited by Labcorp Genetics (formerly Invitae), Labcorp); PubMed 17078022 (cited by Labcorp Genetics (formerly Invitae), Labcorp).